The following is an entry in ClinVar:

NM_016122.3(CEP83):c.810A>C (p.Lys270Asn)

Gene: CEP83 (centrosomal protein 83; minus strand). Cytogenetic location: 12q22.
Variant type: single nucleotide variant.
Coding change: c.810A>C on transcript NM_016122.3 (MANE Select); coding-DNA position 810, A replaced by C.
Protein change: p.Lys270Asn; replaces lysine 270 with asparagine.
Molecular consequence: missense variant. On other transcripts: non-coding transcript variant (2).
Genome position (GRCh38, 1-based): chr12:94,376,009, T>G on the plus strand (A>C on the coding strand, the complement: CEP83 is on the minus strand). VCF-style: chr12-94376009-T-G. GRCh37 (hg19) VCF-style: chr12-94769785-T-G.
Other names: c.810A>C, p.Lys270Asn (NM_001042399.2, NM_001346457.2, NM_001346460.2 and 3 more transcripts); c.498A>C, p.Lys166Asn (NM_001346458.2, NM_001346459.2, NM_001346462.2 and 2 more transcripts); c.585A>C, p.Lys195Asn (NM_001368041.1); c.273A>C, p.Lys91Asn (NM_001368042.1); short protein forms K166N, K195N, K270N, K91N.
Identifiers: ClinVar variation 1025858 (VCV001025858.6), dbSNP rs764377749, ClinGen allele CA6721824.

ClinVar aggregate classification (germline): Uncertain significance (1 of 4 stars; one submission).

Conditions:
Nephronophthisis 18 (NPHP18). Identifiers: Orphanet 655, MedGen C3890591, MONDO:0014374, OMIM 615862.

Allele frequency attached by ClinVar (database versions not stated): gnomAD exomes below 0.00001; ExAC 0.00001; TOPMed 0.00002.
gnomAD v4.1: 1 of 1,553,452 alleles (0.000064%); highest among the groups gnomAD compares: Non-Finnish European, 0.000087%; no homozygotes.

Submission:

Labcorp Genetics (formerly Invitae), Labcorp
Classification: Uncertain significance for Nephronophthisis 18. Last evaluated: 2025-04-07. Review status: criteria provided, single submitter. Criteria: Invitae Variant Classification Sherloc (09022015). Collection method: clinical testing. Allele origin: germline.
Comment: This sequence change replaces lysine with asparagine at codon 270 of the CEP83 protein (p.Lys270Asn). The lysine residue is highly conserved and there is a moderate physicochemical difference between lysine and asparagine. This variant is present in population databases (rs764377749, gnomAD 0.007%). This variant has not been reported in the literature in individuals affected with CEP83-related conditions. ClinVar contains an entry for this variant (Variation ID: 1025858). Invitae Evidence Modeling of protein sequence and biophysical properties (such as structural, functional, and spatial information, amino acid conservation, physicochemical variation, residue mobility, and thermodynamic stability) has been performed for this missense variant. However, the output from this modeling did not meet the statistical confidence thresholds required to predict the impact of this variant on CEP83 protein function. In summary, the available evidence is currently insufficient to determine the role of this variant in disease. Therefore, it has been classified as a Variant of Uncertain Significance.